The following is an entry in ClinVar:

NM_006231.4(POLE):c.880A>G (p.Met294Val)

Gene: POLE (DNA polymerase epsilon, catalytic subunit; minus strand). Cytogenetic location: 12q24.33.
Variant type: single nucleotide variant.
Coding change: c.880A>G on transcript NM_006231.4 (MANE Select); coding-DNA position 880, A replaced by G.
Protein change: p.Met294Val; replaces methionine 294 with valine.
Molecular consequence: missense variant.
Genome position (GRCh38, 1-based): chr12:132,676,575, T>C on the plus strand (A>G on the coding strand, the complement: POLE is on the minus strand). VCF-style: chr12-132676575-T-C. GRCh37 (hg19) VCF-style: chr12-133253161-T-C.
Other names: c.880A>G (NM_006231.2); short protein forms M294V.
Identifiers: ClinVar variation 1393813 (VCV001393813.7), dbSNP rs1454964307, ClinGen allele CA387364225.

ClinVar aggregate classification (germline): Uncertain significance. Review status: criteria provided, multiple submitters, no conflicts (2 of 4 stars). 2 submissions from 2 submitters: Uncertain significance (2). Last evaluated 2026-01-21.

Conditions:
Hereditary cancer-predisposing syndrome. Also called: Hereditary neoplastic syndrome; Tumor predisposition; Neoplastic Syndromes, Hereditary; Hereditary Cancer Syndrome. Identifiers: Orphanet 140162, MedGen C0027672, MeSH D009386, MONDO:0015356.

Allele frequency attached by ClinVar (database versions not stated): TOPMed 0.00001.

Submissions (2):

Ambry Genetics
Classification: Uncertain significance for Hereditary cancer-predisposing syndrome. Last evaluated: 2026-01-21. Review status: criteria provided, single submitter. Criteria: Ambry Variant Classification Scheme 2023. Collection method: clinical testing. Allele origin: germline.
Comment: The p.M294V variant (also known as c.880A>G), located in coding exon 9 of the POLE gene, results from an A to G substitution at nucleotide position 880. The methionine at codon 294 is replaced by valine, an amino acid with highly similar properties. This amino acid position is highly conserved in available vertebrate species. In addition, the in silico prediction for this alteration is inconclusive. Based on the available evidence, the clinical significance of this variant remains unclear.

Labcorp Genetics (formerly Invitae), Labcorp
Classification: Uncertain significance. Last evaluated: 2021-11-18. Review status: criteria provided, single submitter. Criteria: Invitae Variant Classification Sherloc (09022015). Collection method: clinical testing. Allele origin: germline.
Comment: In summary, the available evidence is currently insufficient to determine the role of this variant in disease. Therefore, it has been classified as a Variant of Uncertain Significance. This variant disrupts the p.Met294 amino acid residue in POLE. Other variant(s) that disrupt this residue have been determined to be pathogenic (PMID: 30677446, 32424176, 32792570). This suggests that this residue is clinically significant, and that variants that disrupt this residue are likely to be disease-causing. Algorithms developed to predict the effect of missense changes on protein structure and function are either unavailable or do not agree on the potential impact of this missense change (SIFT: "Deleterious"; PolyPhen-2: "Possibly Damaging"; Align-GVGD: "Class C15"). This variant has not been reported in the literature in individuals affected with POLE-related conditions. This variant is not present in population databases (gnomAD no frequency). This sequence change replaces methionine, which is neutral and non-polar, with valine, which is neutral and non-polar, at codon 294 of the POLE protein (p.Met294Val).

Literature cited by the submitters: PubMed 30677446 (cited by Labcorp Genetics (formerly Invitae), Labcorp); PubMed 32424176 (cited by Labcorp Genetics (formerly Invitae), Labcorp); PubMed 32792570 (cited by Labcorp Genetics (formerly Invitae), Labcorp).